The following is an entry in ClinVar:

NM_000215.4(JAK3):c.1915-1G>A

Gene: JAK3 (Janus kinase 3; minus strand). Cytogenetic location: 19p13.11.
Variant type: single nucleotide variant.
Coding change: c.1915-1G>A on transcript NM_000215.4 (MANE Select); the canonical splice acceptor site of the intron before coding-DNA position 1915, G replaced by A.
Molecular consequence: splice acceptor variant.
Genome position (GRCh38, 1-based): chr19:17,835,216, C>T on the plus strand (G>A on the coding strand, the complement: JAK3 is on the minus strand). VCF-style: chr19-17835216-C-T. GRCh37 (hg19) VCF-style: chr19-17946025-C-T.
Other names: c.1915-1G>A (NM_000215.3).
Identifiers: ClinVar variation 2048620 (VCV002048620.6), dbSNP rs1449943380, ClinGen allele CA404768497.
Genomic context (GRCh38, chr19:17,835,216, plus strand): 5'-CTCCCGAGCCAGGAGCACCTTCCGGGCAGAGACATTGCCATGGGGCAGGCCTTTGTCCTC[C>T]TAAGGGGGCCAGACACAGGAAAATGCCCGGGAGGGTTTGATGAATGAAGAGTCTGTTTGG-3'

ClinVar aggregate classification (germline): Uncertain significance. Review status: reviewed by expert panel (3 of 4 stars). 3 submissions from 3 submitters: Uncertain significance (1). 2 of the submissions do not count toward it. Last evaluated 2023-11-14.

Conditions:
T-B+ severe combined immunodeficiency due to JAK3 deficiency. Also called: SCID, T CELL-NEGATIVE, B CELL-POSITIVE, NK CELL-NEGATIVE; SCID, autosomal recessive, T-negative/B-positive type. Identifiers: Orphanet 35078, MedGen C1833275, MONDO:0010938, OMIM 600802.

Allele frequency attached by ClinVar (database versions not stated): gnomAD exomes below 0.00001.
gnomAD v4.1: 7 of 1,613,684 alleles (0.00043%); highest among the groups gnomAD compares: Non-Finnish European, 0.00051%; no homozygotes.

Submissions (3):

ClinGen Severe Combined Immunodeficiency Variant Curation Expert Panel, ClinGen
Classification: Uncertain significance for T-B+ severe combined immunodeficiency due to JAK3 deficiency. Last evaluated: 2023-11-14. Review status: reviewed by expert panel. Criteria: ClinGen SCID ACMG Specifications JAK3 V1.0.0. Collection method: curation. Allele origin: germline. Inheritance: Autosomal recessive inheritance.
Comment: The variant NM_000215.4(JAK3):c.1915-1G>A is predicted to disrupt an acceptor splice site in intron 14; however, this variant falls into a NAGNAG sequence, which may indicate a frame restoring splice site (PVS1 not met). The variant has an allele frequency that is too low to calculate a popmax allele frequency accurately; there is a single heterozygous case (1/112366 alleles or MAF of 0.000008899 in the European non-Finnish population), and no homozygous cases were reported in gnomAD v2.1.1. This is below the SCID VCEP threshold of <0.000115 (PM2_supporting). To our knowledge, the variant has not been reported in the literature in any individuals with JAK3 deficiency. In summary, this variant meets the criteria to be classified as a variant of uncertain significance for autosomal recessive T-B+ severe combined immunodeficiency due to JAK3 deficiency based on the ACMG/AMP criteria applied, as specified by the ClinGen SCID VCEP: PM2_supporting. (SCID VCEP Specification Version 1).

Labcorp Genetics (formerly Invitae), Labcorp
Classification: Likely pathogenic for T-B+ severe combined immunodeficiency due to JAK3 deficiency. Last evaluated: 2023-05-21. Review status: criteria provided, single submitter. Criteria: Invitae Variant Classification Sherloc (09022015). Collection method: clinical testing. Allele origin: germline. Not counted in ClinVar's aggregate classification.
Comment: Algorithms developed to predict the effect of sequence changes on RNA splicing suggest that this variant may disrupt the consensus splice site. In summary, the currently available evidence indicates that the variant is pathogenic, but additional data are needed to prove that conclusively. Therefore, this variant has been classified as Likely Pathogenic. ClinVar contains an entry for this variant (Variation ID: 2048620). This variant has not been reported in the literature in individuals affected with JAK3-related conditions. This variant is present in population databases (no rsID available, gnomAD 0.0009%). This sequence change affects an acceptor splice site in intron 14 of the JAK3 gene. It is expected to disrupt RNA splicing. Variants that disrupt the donor or acceptor splice site typically lead to a loss of protein function (PMID: 16199547), and loss-of-function variants in JAK3 are known to be pathogenic (PMID: 7481768, 11668621).

Mayo Clinic Laboratories, Mayo Clinic
Classification: Likely pathogenic. Last evaluated: 2022-04-06. Review status: criteria provided, single submitter. Criteria: ACMG Guidelines, 2015. Collection method: clinical testing. Allele origin: germline. Observed: 1 variant allele. Not counted in ClinVar's aggregate classification.
Comment: PM2_supporting, PVS1

Literature cited by the submitters: PubMed 16199547 (cited by Labcorp Genetics (formerly Invitae), Labcorp); PubMed 7481768 (cited by Labcorp Genetics (formerly Invitae), Labcorp); PubMed 11668621 (cited by Labcorp Genetics (formerly Invitae), Labcorp).